The following is an entry in ClinVar:

ClinVar aggregate classification (germline): Uncertain significance (1 of 4 stars; one submission).

Submission:

Labcorp Genetics (formerly Invitae), Labcorp
Classification: Uncertain significance. Last evaluated: 2023-04-26. Review status: criteria provided, single submitter. Criteria: Invitae Variant Classification Sherloc (09022015). Collection method: clinical testing. Allele origin: germline.
Comment: In summary, the available evidence is currently insufficient to determine the role of this variant in disease. Therefore, it has been classified as a Variant of Uncertain Significance. Algorithms developed to predict the effect of sequence changes on RNA splicing suggest that this variant may disrupt the consensus splice site. This variant has not been reported in the literature in individuals affected with ACVR1-related conditions. This variant is not present in population databases (gnomAD no frequency). This variant results in the deletion of part of exon 5 (c.332-12_361del) of the ACVR1 gene. It is expected to disrupt RNA splicing. Variants that disrupt the donor or acceptor splice site typically lead to a loss of protein function (PMID: 16199547), however the current clinical and genetic evidence is not sufficient to establish whether loss-of-function variants in ACVR1 cause disease.

Literature cited by the submitters: PubMed 16199547.

NM_001111067.4(ACVR1):c.332-12_361del

Gene: ACVR1 (activin A receptor type 1; minus strand). Cytogenetic location: 2q24.1.
Variant type: Deletion.
Coding change: c.332-12_361del on transcript NM_001111067.4 (MANE Select); 12 bases into the intron before coding-DNA position 332 through coding-DNA position 361, 42 bases deleted.
Molecular consequence: splice acceptor variant.
Genome position (GRCh38, 1-based): chr2:157,778,313-157,778,354, 42 bases deleted; deleting any 42 consecutive bases within chr2:157,778,313-157,778,359 gives the same sequence; the c. name uses the placement nearest the transcript's 3' end. GRCh37 (hg19): chr2:158,634,830-158,634,871.
Other names: c.332-12_361del (NM_001347665.1, NM_001347664.1, NM_001347666.1 and 3 more transcripts).
Identifiers: ClinVar variation 2859288 (VCV002859288.3), dbSNP rs2467962171, ClinGen allele CA2739271452.